The following is an entry in ClinVar:

ClinVar aggregate classification (germline): Pathogenic. Review status: criteria provided, multiple submitters, no conflicts (2 of 4 stars). 2 submissions from 2 submitters: Pathogenic (2). Last evaluated 2024-12-23.

Conditions:
PRPH2-related disorder. Also called: PRPH2-related condition; PRPH2-related disorders. Identifiers: MedGen CN239395.

Submissions (2):

Labcorp Genetics (formerly Invitae), Labcorp
Classification: Pathogenic for PRPH2-related disorder. Last evaluated: 2024-12-23. Review status: criteria provided, single submitter. Criteria: Invitae Variant Classification Sherloc (09022015). Collection method: clinical testing. Allele origin: germline.
Comment: This sequence change creates a premature translational stop signal (p.Pro96Argfs*5) in the PRPH2 gene. It is expected to result in an absent or disrupted protein product. Loss-of-function variants in PRPH2 are known to be pathogenic (PMID: 8111389, 8485575, 8485576, 8675410, 16916875, 17504850, 22863181, 25675413, 26061163, 27365499, 29555955, 33546218). This variant is not present in population databases (gnomAD no frequency). This variant has not been reported in the literature in individuals affected with PRPH2-related conditions. ClinVar contains an entry for this variant (Variation ID: 1074169). For these reasons, this variant has been classified as Pathogenic.

Blueprint Genetics
Classification: Pathogenic for PRPH2-related disorders. Last evaluated: 2022-01-31. Review status: criteria provided, single submitter. Criteria: ACMG Guidelines, 2015. Collection method: clinical testing. Allele origin: germline. Affected: yes. Observed: 2 variant alleles.

Literature cited by the submitters: PubMed 8111389 (cited by Labcorp Genetics (formerly Invitae), Labcorp); PubMed 8485575 (cited by Labcorp Genetics (formerly Invitae), Labcorp); PubMed 8485576 (cited by Labcorp Genetics (formerly Invitae), Labcorp); PubMed 8675410 (cited by Labcorp Genetics (formerly Invitae), Labcorp); PubMed 16916875 (cited by Labcorp Genetics (formerly Invitae), Labcorp); PubMed 17504850 (cited by Labcorp Genetics (formerly Invitae), Labcorp); PubMed 22863181 (cited by Labcorp Genetics (formerly Invitae), Labcorp); PubMed 25675413 (cited by Labcorp Genetics (formerly Invitae), Labcorp); PubMed 26061163 (cited by Labcorp Genetics (formerly Invitae), Labcorp); PubMed 27365499 (cited by Labcorp Genetics (formerly Invitae), Labcorp); PubMed 29555955 (cited by Labcorp Genetics (formerly Invitae), Labcorp); PubMed 33546218 (cited by Labcorp Genetics (formerly Invitae), Labcorp).

NM_000322.5(PRPH2):c.282_286dup (p.Pro96fs)

Gene: PRPH2 (peripherin 2; minus strand). Cytogenetic location: 6p21.1.
Variant type: Duplication.
Coding change: c.282_286dup on transcript NM_000322.5 (MANE Select); coding-DNA positions 282 to 286, 5 bases duplicated (GAAGC; older notation c.282_286dupGAAGC).
Protein change: p.Pro96fs; shifts the reading frame from proline 96.
Molecular consequence: frameshift variant.
Genome position (GRCh38, 1-based): chr6:42,722,049-42,722,053, GCTTC duplicated on the plus strand (GAAGC on the coding strand, the reverse complement: PRPH2 is on the minus strand). VCF-style (leftmost placement, unchanged base first): chr6-42722048-G-GGCTTC. GRCh37 (hg19) VCF-style: chr6-42689786-G-GGCTTC.
Other names: short protein forms P96fs.
Identifiers: ClinVar variation 1074169 (VCV001074169.8), dbSNP rs2152011005, ClinGen allele CA2499218303.